The following is an entry in ClinVar:

NM_001379500.1(COL18A1):c.107-12611A>G

Gene: COL18A1 (collagen type XVIII alpha 1 chain; plus strand). Cytogenetic location: 21q22.3.
Variant type: single nucleotide variant.
Coding change: c.107-12611A>G on transcript NM_001379500.1 (MANE Select); 12611 bases into the intron before coding-DNA position 107, A replaced by G.
Molecular consequence: intron variant. On other transcripts: missense variant (2).
Genome position (GRCh38, 1-based): chr21:45,455,631, A>G. VCF-style: chr21-45455631-A-G. GRCh37 (hg19) VCF-style: chr21-46875545-A-G.
Other names: c.101A>G, p.Asn34Ser (NM_030582.4, NM_130444.3); short protein forms N34S.
Identifiers: ClinVar variation 1404113 (VCV001404113.6), dbSNP rs1334413714, ClinGen allele CA410505134.

ClinVar aggregate classification (germline): Uncertain significance (1 of 4 stars; one submission).

Allele frequency attached by ClinVar (database versions not stated): gnomAD exomes below 0.00001.
gnomAD v4.1: 2 of 1,613,984 alleles (0.00012%); highest among the groups gnomAD compares: Admixed American, 0.0033%; no homozygotes.

Submission:

Labcorp Genetics (formerly Invitae), Labcorp
Classification: Uncertain significance. Last evaluated: 2022-09-07. Review status: criteria provided, single submitter. Criteria: Invitae Variant Classification Sherloc (09022015). Collection method: clinical testing. Allele origin: germline.
Comment: This sequence change replaces asparagine, which is neutral and polar, with serine, which is neutral and polar, at codon 34 of the COL18A1 protein (p.Asn34Ser). In summary, the available evidence is currently insufficient to determine the role of this variant in disease. Therefore, it has been classified as a Variant of Uncertain Significance. Experimental studies and prediction algorithms are not available or were not evaluated, and the functional significance of this variant is currently unknown. ClinVar contains an entry for this variant (Variation ID: 1404113). This variant has not been reported in the literature in individuals affected with COL18A1-related conditions. This variant is present in population databases (no rsID available, gnomAD 0.003%). The COL18A1 gene has multiple clinically relevant transcripts. This variant occurs in alternate transcript NM_030582.4, and corresponds to NM_130445.2:c.107-12611A>G in the primary transcript.